The following is an entry in ClinVar:

NC_000008.10:g.(?_100050631)_(100205305_?)del

Gene: VPS13B (vacuolar protein sorting 13 homolog B; plus strand). Cytogenetic location: 8q22.2.
Variant type: Deletion.
Identifiers: ClinVar variation 3245451 (VCV003245451.1).

ClinVar aggregate classification (germline): Pathogenic (1 of 4 stars; one submission).

Conditions:
Cohen syndrome (COH1). Also called: Cutis verticis gyrata, retinitis pigmentosa, and sensorineural deafness; PEPPER SYNDROME. Identifiers: Orphanet 193, MedGen C0265223, MONDO:0008999, OMIM 216550.

Submission:

Labcorp Genetics (formerly Invitae), Labcorp
Classification: Pathogenic for Cohen syndrome. Last evaluated: 2024-01-07. Review status: criteria provided, single submitter. Criteria: Invitae Variant Classification Sherloc (09022015). Collection method: clinical testing. Allele origin: unknown.
Comment: This variant is a gross deletion of the genomic region encompassing exon(s) 3-17 of the VPS13B gene. This deletion is out-of-frame, and is expected to create a premature termination codon and result in an absent or disrupted protein product. Loss-of-function variants in VPS13B are known to be pathogenic (PMID: 15141358, 16648375, 20461111). This variant has not been reported in the literature in individuals affected with VPS13B-related conditions. For these reasons, this variant has been classified as Pathogenic.

Literature cited by the submitters: PubMed 15141358; PubMed 16648375; PubMed 20461111.